The following is an entry in ClinVar:

NM_018417.6(ADCY10):c.4287G>C (p.Trp1429Cys)

Gene: ADCY10 (adenylate cyclase 10; minus strand). Cytogenetic location: 1q24.2.
Variant type: single nucleotide variant.
Coding change: c.4287G>C on transcript NM_018417.6 (MANE Select); coding-DNA position 4287, G replaced by C.
Protein change: p.Trp1429Cys; replaces tryptophan 1429 with cysteine.
Molecular consequence: missense variant.
Genome position (GRCh38, 1-based): chr1:167,818,267, C>G on the plus strand (G>C on the coding strand, the complement: ADCY10 is on the minus strand). VCF-style: chr1-167818267-C-G. GRCh37 (hg19) VCF-style: chr1-167787505-C-G.
Other names: c.3828G>C, p.Trp1276Cys (NM_001167749.3); c.4011G>C, p.Trp1337Cys (NM_001297772.2); short protein forms W1429C, W1276C, W1337C.
Identifiers: ClinVar variation 2607817 (VCV002607817.4), dbSNP rs775686417, ClinGen allele CA1227054.

ClinVar aggregate classification (germline): Uncertain significance. Review status: criteria provided, multiple submitters, no conflicts (2 of 4 stars). 2 submissions from 2 submitters: Uncertain significance (2). Last evaluated 2025-01-15.

Allele frequency attached by ClinVar (database versions not stated): gnomAD exomes 0.00001; TOPMed 0.00001; ExAC 0.00006.
gnomAD v4.1: 8 of 1,613,384 alleles (0.0005%); highest among the groups gnomAD compares: East Asian, 0.018%; no homozygotes.

Submissions (2):

Labcorp Genetics (formerly Invitae), Labcorp
Classification: Uncertain significance. Last evaluated: 2025-01-15. Review status: criteria provided, single submitter. Criteria: Invitae Variant Classification Sherloc (09022015). Collection method: clinical testing. Allele origin: germline.
Comment: This sequence change replaces tryptophan, which is neutral and slightly polar, with cysteine, which is neutral and slightly polar, at codon 1429 of the ADCY10 protein (p.Trp1429Cys). This variant is present in population databases (rs775686417, gnomAD 0.08%), and has an allele count higher than expected for a pathogenic variant. This variant has not been reported in the literature in individuals affected with ADCY10-related conditions. ClinVar contains an entry for this variant (Variation ID: 2607817). An algorithm developed to predict the effect of missense changes on protein structure and function (PolyPhen-2) suggests that this variant is likely to be disruptive. In summary, the available evidence is currently insufficient to determine the role of this variant in disease. Therefore, it has been classified as a Variant of Uncertain Significance.

Ambry Genetics
Classification: Uncertain significance. Last evaluated: 2023-06-29. Review status: criteria provided, single submitter. Criteria: Ambry Variant Classification Scheme 2023. Collection method: clinical testing. Allele origin: germline.